The following is an entry in ClinVar:

NM_001130823.3(DNMT1):c.1044-18dup

Gene: DNMT1 (DNA methyltransferase 1; minus strand). Cytogenetic location: 19p13.2.
Variant type: Duplication.
Coding change: c.1044-18dup on transcript NM_001130823.3 (MANE Select); 18 bases into the intron before coding-DNA position 1044, one base duplicated (T; older notation c.1044-18dupT).
Molecular consequence: intron variant.
Genome position (GRCh38, 1-based): chr19:10,160,071, A duplicated on the plus strand (T on the coding strand, the reverse complement: DNMT1 is on the minus strand); the first of 11 consecutive A bases (chr19:10,160,071-10,160,081); duplicating any one gives the same sequence. VCF-style (leftmost placement, unchanged base first): chr19-10160070-G-GA. GRCh37 (hg19) VCF-style: chr19-10270746-G-GA.
Other names: c.1044-8dup (LRG_362t1); c.681-18dup (NM_001318731.2); c.996-18dup (NM_001379.4, NM_001318730.2); c.1044-8dupT (NM_001130823.3).
Identifiers: ClinVar variation 327913 (VCV000327913.16), dbSNP rs59599980, ClinGen allele CA9188419.
Genomic context (GRCh38, chr19:10,160,070, plus strand): 5'-ATGTTTACCTTGGAGTTCATGACTGTTTTGGCGCGAGCCATTTTTTTCTCCGTTCTGGGG[G>GA]AAAAAAAAAAATCACAAGATCGTTTGTTTAATTGTTTCAGAAAATATCAAAATCGCCCCT-3'

ClinVar aggregate classification (germline): Benign/Likely benign. Review status: criteria provided, multiple submitters, no conflicts (2 of 4 stars). 3 submissions from 3 submitters: Benign (1); Likely benign (2). Last evaluated 2025-12-20.

Conditions:
Hereditary sensory neuropathy-deafness-dementia syndrome. Also called: NEUROPATHY, HEREDITARY SENSORY, WITH HEARING LOSS AND DEMENTIA; Hereditary Sensory and Autonomic Neuropathy Type 1E (HSAN1E); HSN IE; Hereditary sensory neuropathy type IE. Identifiers: Orphanet 456318, MedGen C3279885, MONDO:0013584, OMIM 614116.

Submissions (3):

Labcorp Genetics (formerly Invitae), Labcorp
Classification: Likely benign for Hereditary sensory neuropathy-deafness-dementia syndrome. Last evaluated: 2025-12-20. Review status: criteria provided, single submitter. Criteria: Invitae Variant Classification Sherloc (09022015). Collection method: clinical testing. Allele origin: germline.

Women's Health and Genetics/Laboratory Corporation of America, LabCorp
Classification: Benign. Last evaluated: 2025-12-11. Review status: criteria provided, single submitter. Criteria: LabCorp Variant Classification Summary - May 2015. Collection method: clinical testing. Allele origin: germline.
Comment: Variant summary: DNMT1 c.1044-8dupT (also known as c.1044-18dupT) alters a nucleotide located at a position not widely known to affect splicing. Consensus agreement among computation tools predict no significant impact on normal splicing. However, these predictions have yet to be confirmed by functional studies. The variant allele was found at a frequency of 0.00041 in 1566404 control chromosomes. The observed variant frequency exceeds the estimated maximal expected allele frequency for disease-causing variants in DNMT1. To our knowledge, no occurrence of c.1044-8dupT in individuals affected with DNMT1-related conditions and no experimental evidence demonstrating its impact on protein function have been reported. ClinVar contains an entry for this variant (Variation ID: 327913). Based on the evidence outlined above, the variant was classified as benign.

Blueprint Genetics
Classification: Likely benign. Last evaluated: 2024-11-22. Review status: criteria provided, single submitter. Criteria: ACMG Guidelines, 2015. Collection method: clinical testing. Allele origin: germline.